The following is an entry in ClinVar:

NM_024312.5(GNPTAB):c.1666ATT[1] (p.Ile557del)

Gene: GNPTAB (N-acetylglucosamine-1-phosphate transferase subunits alpha and beta; minus strand). Cytogenetic location: 12q23.2.
Variant type: Microsatellite.
Coding change: c.1666ATT[1] on transcript NM_024312.5 (MANE Select); one copy of the 3-base unit ATT starting at c.1666; the reference has two copies in a row; one copy, 3 bases deleted.
Protein change: p.Ile557del; deletes isoleucine 557.
Molecular consequence: inframe deletion.
Genome position (GRCh38, 1-based): chr12:101,765,246-101,765,248, AAT deleted on the plus strand (ATT on the coding strand, the reverse complement: GNPTAB is on the minus strand); deleting any 3 consecutive bases within chr12:101,765,246-101,765,252 gives the same sequence; the position shown is the placement nearest the transcript's 3' end. VCF-style (leftmost placement, unchanged base first): chr12-101765245-GAAT-G. GRCh37 (hg19) VCF-style: chr12-102159023-GAAT-G.
Other names: short protein forms I557del.
Identifiers: ClinVar variation 550806 (VCV000550806.4), dbSNP rs1555269798, ClinGen allele CA658822543.
Genomic context (GRCh38, chr12:101,765,245, plus strand): 5'-CTTCAACTCCTCTTTTGGCTACTTCTGCAAAGCTGAAATAAGGCAGGCATTCACCTTTTG[GAAT>G]AATATAGTGAGTCTGGTTTGGGAGAAGGATCACTTTATACAATTCATGAAAATGATCTAG-3'

ClinVar aggregate classification (germline): Uncertain significance. Review status: criteria provided, single submitter (1 of 4 stars). 2 submissions from 2 submitters: Uncertain significance (1). 1 of the submissions does not count toward it. Last evaluated 2024-02-02.

Conditions:
Mucolipidosis type II. Also called: Mucolipidosis II Alpha/Beta; Mucolipidosis 2; ML 2; Inclusion cell disease; Leroy Disease; N-acetylglucosamine 1phosphotransferase deficiency. Identifiers: Orphanet 576, MedGen C2673377, MONDO:0009650, OMIM 252500.
Pseudo-Hurler polydystrophy. Also called: MUCOLIPIDOSIS IIIA; ML IIIA; Mucolipidosis III Alpha/Beta; Type III Mucolipidosis; ML III; ML III ALPHA/BETA. Identifiers: Orphanet 423461, Orphanet 577, MedGen C0033788, MONDO:0018931, OMIM 252600.

Submissions (2):

Labcorp Genetics (formerly Invitae), Labcorp
Classification: Uncertain significance for Pseudo-Hurler polydystrophy; Mucolipidosis type II. Last evaluated: 2024-02-02. Review status: criteria provided, single submitter. Criteria: Invitae Variant Classification Sherloc (09022015). Collection method: clinical testing. Allele origin: germline.
Comment: This variant, c.1669_1671del, results in the deletion of 1 amino acid(s) of the GNPTAB protein (p.Ile557del), but otherwise preserves the integrity of the reading frame. This variant is not present in population databases (gnomAD no frequency). This variant has not been reported in the literature in individuals affected with GNPTAB-related conditions. ClinVar contains an entry for this variant (Variation ID: 550806). Experimental studies and prediction algorithms are not available or were not evaluated, and the functional significance of this variant is currently unknown. In summary, the available evidence is currently insufficient to determine the role of this variant in disease. Therefore, it has been classified as a Variant of Uncertain Significance.

Counsyl
Classification: Uncertain significance for Mucolipidosis type II; Pseudo-Hurler polydystrophy. Last evaluated: 2017-02-22. Review status: no assertion criteria provided. Collection method: clinical testing. Allele origin: unknown. Not counted in ClinVar's aggregate classification.